The following is an entry in ClinVar:

NC_000007.14:g.145048896_146600257inv

Genes: CNTNAP2 (contactin associated protein 2; plus strand), LOC105375553 (uncharacterized LOC105375553; minus strand), LOC126860213 (P300/CBP strongly-dependent group 1 enhancer GRCh37_chr7:144880176-144881375; plus strand), LOC126860214 (BRD4-independent group 4 enhancer GRCh37_chr7:145115119-145116318; plus strand), LOC126860215 (P300/CBP strongly-dependent group 1 enhancer GRCh37_chr7:145750296-145751495; plus strand) and 8 more. Cytogenetic location: 7q35.
Variant type: Inversion.
Identifiers: ClinVar variation 4849570 (VCV004849570.1).

ClinVar aggregate classification (germline): Uncertain significance (1 of 4 stars; one submission).

Conditions:
Autism, susceptibility to, 15. Also called: Autism susceptibility 15. Identifiers: MedGen C2677504, MONDO:0012801, OMIM 612100.

Submission:

Department of Genetic and Genomic Medicine, National Cheng Kung University Hospital
Classification: Uncertain significance for Autism, susceptibility to, 15. Last evaluated: 2026-04-28. Review status: criteria provided, single submitter. Criteria: ACMG Guidelines, 2015. Collection method: clinical testing. Allele origin: de novo. Affected: yes.
Comment: This copy-neutral inversion was interpreted using relevant ACMG/AMP 2015 sequence-variant criteria applied to the breakpoint-defined gene disruption. The distal breakpoint disrupts CNTNAP2 and is predicted to result in loss of function. Because CNTNAP2 has limited evidence for autosomal-dominant haploinsufficiency in neurodevelopmental phenotypes, whereas biallelic CNTNAP2 loss of function is the established mechanism for CNTNAP2-related Pitt-Hopkins-like-1 syndrome, the predicted loss-of-function evidence was applied conservatively as PVS1_Moderate rather than full-strength PVS1. The inversion was absent in both parents by parental karyotyping; therefore, PM6 was applied for assumed de novo occurrence. The combined evidence (PVS1_Moderate + PM6) supports classification of this variant as a variant of uncertain significance.

Literature cited by the submitters: PubMed 19582487; PubMed 21310003; PubMed 36253443.